The following is an entry in ClinVar:

ClinVar aggregate classification (germline): Likely benign (1 of 4 stars; one submission).

Conditions:
COL4A1-related disorder. Also called: COL4A1-related condition; COL4A1-related disorders. Identifiers: MedGen CN376119, MONDO:0800461.

gnomAD v4.1: 4 of 1,614,058 alleles (0.00025%); highest among the groups gnomAD compares: Admixed American, 0.0033%; no homozygotes.

Submission:

PreventionGenetics, part of Exact Sciences
Classification: Likely benign for COL4A1-related condition. Last evaluated: 2026-09-10. Review status: criteria provided, single submitter. Criteria: ACMG Guidelines, 2015. Collection method: clinical testing. Allele origin: germline.
Comment: This variant is classified as likely benign based on ACMG/AMP sequence variant interpretation guidelines (Richards et al. 2015 PMID: 25741868, with internal and published modifications).

NM_001845.6(COL4A1):c.4818G>A (p.Glu1606=)

Gene: COL4A1 (collagen type IV alpha 1 chain; minus strand). Cytogenetic location: 13q34.
Variant type: single nucleotide variant.
Coding change: c.4818G>A on transcript NM_001845.6 (MANE Select); coding-DNA position 4818, G replaced by A.
Protein change: p.Glu1606=; no amino-acid change (glutamic acid 1606 retained).
Molecular consequence: synonymous variant.
Genome position (GRCh38, 1-based): chr13:110,152,444, C>T on the plus strand (G>A on the coding strand, the complement: COL4A1 is on the minus strand). VCF-style: chr13-110152444-C-T. GRCh37 (hg19) VCF-style: chr13-110804791-C-T.
Identifiers: ClinVar variation 4987484 (VCV004987484.1).